The following is an entry in ClinVar:

ClinVar aggregate classification (germline): Uncertain significance (1 of 4 stars; one submission).

gnomAD v4.1: 1 of 1,583,998 alleles (0.000063%); highest among the groups gnomAD compares: Non-Finnish European, 0.000086%; no homozygotes.

Submission:

Athena Diagnostics
Classification: Uncertain significance. Last evaluated: 2020-05-08. Review status: criteria provided, single submitter. Criteria: Athena Diagnostics Criteria. Collection method: clinical testing. Allele origin: unknown.
Comment: This observation is not an independent occurrence and has been identified in the same individual by RCIGM, the other laboratory participating in the GEMINI study.

NM_020117.11(LARS1):c.173G>A (p.Arg58His)

Gene: LARS1 (leucyl-tRNA synthetase 1; minus strand). Cytogenetic location: 5q32.
Variant type: single nucleotide variant.
Coding change: c.173G>A on transcript NM_020117.11 (MANE Select); coding-DNA position 173, G replaced by A.
Protein change: p.Arg58His; replaces arginine 58 with histidine.
Molecular consequence: missense variant.
Genome position (GRCh38, 1-based): chr5:146,172,727, C>T on the plus strand (G>A on the coding strand, the complement: LARS1 is on the minus strand). VCF-style: chr5-146172727-C-T. GRCh37 (hg19) VCF-style: chr5-145552290-C-T.
Other names: c.173G>A, p.Arg58His (NM_001317964.2, NM_016460.4); c.11G>A, p.Arg4His (NM_001317965.2); short protein forms R4H, R58H.
Identifiers: ClinVar variation 1809770 (VCV001809770.1), dbSNP rs148510496, ClinGen allele CA361616544.